The following is an entry in ClinVar:

ClinVar aggregate classification (germline): Uncertain significance (1 of 4 stars; one submission).

Conditions:
Kennedy disease (SMAX1). Also called: SPINAL AND BULBAR MUSCULAR ATROPHY, X-LINKED 1; KENNEDY SPINAL AND BULBAR MUSCULAR ATROPHY; Spinal and Bulbar Muscular Atrophy. Identifiers: Orphanet 481, MedGen C1839259, MONDO:0010735, OMIM 313200.
Androgen resistance syndrome (AIS). Also called: ANDROGEN RECEPTOR DEFICIENCY; DIHYDROTESTOSTERONE RECEPTOR DEFICIENCY; Androgen insensitivity; DHTR DEFICIENCY; TESTICULAR FEMINIZATION SYNDROME; Androgen insensitivity syndrome. Identifiers: Orphanet 754, Orphanet 99429, MedGen C0039585, MONDO:0019154, OMIM 300068. Disease mechanism: loss of function.

Submission:

Labcorp Genetics (formerly Invitae), Labcorp
Classification: Uncertain significance for Kennedy disease; Androgen resistance syndrome. Last evaluated: 2021-10-04. Review status: criteria provided, single submitter. Criteria: Invitae Variant Classification Sherloc (09022015). Collection method: clinical testing. Allele origin: germline.
Comment: This sequence change replaces tyrosine with phenylalanine at codon 572 of the AR protein (p.Tyr572Phe). The tyrosine residue is highly conserved and there is a small physicochemical difference between tyrosine and phenylalanine. This variant is not present in population databases (ExAC no frequency). This missense change has been observed in individual(s) with clinical features of androgen insensitivity syndrome (Invitae). Algorithms developed to predict the effect of missense changes on protein structure and function are either unavailable or do not agree on the potential impact of this missense change (SIFT: "Deleterious"; PolyPhen-2: "Probably Damaging"; Align-GVGD: "Class C0"). This variant disrupts the p.Tyr572 amino acid residue in AR. Other variant(s) that disrupt this residue have been determined to be pathogenic (PMID: 9544375, 26688387, 30599484). This suggests that this residue is clinically significant, and that variants that disrupt this residue are likely to be disease-causing. In summary, the available evidence is currently insufficient to determine the role of this variant in disease. Therefore, it has been classified as a Variant of Uncertain Significance.

Literature cited by the submitters: PubMed 9544375; PubMed 26688387; PubMed 30599484.

NM_000044.6(AR):c.1715A>T (p.Tyr572Phe)

Gene: AR (androgen receptor; plus strand). Cytogenetic location: Xq12.
Variant type: single nucleotide variant.
Coding change: c.1715A>T on transcript NM_000044.6 (MANE Select); coding-DNA position 1715, A replaced by T.
Protein change: p.Tyr572Phe; replaces tyrosine 572 with phenylalanine.
Molecular consequence: missense variant. On other transcripts: intron variant (1).
Genome position (GRCh38, 1-based): chrX:67,643,354, A>T. VCF-style: chrX-67643354-A-T. GRCh37 (hg19) VCF-style: chrX-66863196-A-T.
Other names: c.119A>T, p.Tyr40Phe (NM_001011645.3); c.1715A>T, p.Tyr572Phe (NM_001348061.1, NM_001348063.1); c.1617-42587A>T (NM_001348064.1); short protein forms Y572F, Y40F.
Identifiers: ClinVar variation 1491703 (VCV001491703.6), dbSNP rs1925886715, ClinGen allele CA413422819.